The following is an entry in ClinVar:

ClinVar aggregate classification (germline): Uncertain significance (1 of 4 stars; one submission).

Conditions:
Hereditary cancer-predisposing syndrome. Also called: Hereditary neoplastic syndrome; Neoplastic Syndromes, Hereditary; Tumor predisposition; Hereditary Cancer Syndrome. Identifiers: Orphanet 140162, MedGen C0027672, MeSH D009386, MONDO:0015356.

Submission:

Ambry Genetics
Classification: Uncertain significance for Hereditary cancer-predisposing syndrome. Last evaluated: 2024-12-17. Review status: criteria provided, single submitter. Criteria: Ambry Variant Classification Scheme 2023. Collection method: clinical testing. Allele origin: germline.
Comment: The p.K923T variant (also known as c.2768A>C), located in coding exon 10 of the BRCA2 gene, results from an A to C substitution at nucleotide position 2768. The lysine at codon 923 is replaced by threonine, an amino acid with similar properties. This amino acid position is conserved. In addition, this alteration is predicted to be tolerated by in silico analysis. Based on the available evidence, the clinical significance of this variant remains unclear.

NM_000059.4(BRCA2):c.2768A>C (p.Lys923Thr)

Gene: BRCA2 (BRCA2 DNA repair associated; plus strand). Cytogenetic location: 13q13.1.
Variant type: single nucleotide variant.
Coding change: c.2768A>C on transcript NM_000059.4 (MANE Select); coding-DNA position 2768, A replaced by C.
Protein change: p.Lys923Thr; replaces lysine 923 with threonine.
Molecular consequence: missense variant. On other transcripts: non-coding transcript variant (1), intron variant (2).
Genome position (GRCh38, 1-based): chr13:32,337,123, A>C. VCF-style: chr13-32337123-A-C. GRCh37 (hg19) VCF-style: chr13-32911260-A-C.
Other names: c.2768A>C, p.Lys923Thr (NM_001406719.1, NM_001406720.1, NM_001432077.1); c.1909+3736A>C (NM_001406721.1); c.424+6093A>C (NM_001406722.1); short protein forms K923T.
Identifiers: ClinVar variation 3825398 (VCV003825398.1).